The following is an entry in ClinVar:

ClinVar aggregate classification (germline): Conflicting classifications of pathogenicity. Review status: criteria provided, conflicting classifications (1 of 4 stars). 13 submissions from 12 submitters: Uncertain significance (9); Benign (1); Likely benign (2). 1 of the submissions does not count toward it. Last evaluated 2026-08-25.

Conditions:
CDH23-related disorder. Also called: CDH23-related condition; CDH23-related disorders.
Autosomal recessive nonsyndromic hearing loss 12. Also called: DEAFNESS, AUTOSOMAL RECESSIVE 12. Identifiers: Orphanet 90636, MedGen C1832394, MONDO:0011067, OMIM 601386.
Pituitary adenoma 5, multiple types. Identifiers: MedGen C4539685, MONDO:0054601, OMIM 617540.
Usher syndrome type 1D (USH1D). Also called: USHER SYNDROME, TYPE ID. Identifiers: Orphanet 231169, Orphanet 886, MedGen C1832845, MONDO:0010984, OMIM 601067.
Usher syndrome type 1 (USH1). Also called: RETINITIS PIGMENTOSA AND CONGENITAL DEAFNESS. Identifiers: Orphanet 231169, Orphanet 886, MedGen C1568247, MONDO:0010168, OMIM 276900.

Allele frequency attached by ClinVar (database versions not stated): gnomAD 0.00021; ExAC 0.00022; 1000 Genomes Project 30x 0.00031; 1000 Genomes Project 0.00040.
gnomAD v4.1: 187 of 1,613,738 alleles (0.012%); highest among the groups gnomAD compares: East Asian, 0.087%; 7 homozygotes.

Submissions (13):

PreventionGenetics, part of Exact Sciences
Classification: Uncertain significance for CDH23-related condition. Last evaluated: 2026-08-25. Review status: criteria provided, single submitter. Criteria: ACMG Guidelines, 2015. Collection method: clinical testing. Allele origin: germline.
Comment: The CDH23 c.2236G>A variant is predicted to result in the amino acid substitution p.Val746Ile. This variant was reported along with a second potentially causative variant in an individual with retinitis pigmentosa (Table S4, Gao et al. 2019. PubMed ID: 31054281) and in a patient with panuveitis (Table S2, Li et al. 2020. PubMed ID: 32707200). This variant is reported in 0.13% of alleles in individuals of East Asian descent in gnomAD. At this time, the clinical significance of this variant is uncertain due to the absence of conclusive functional and genetic evidence.

Labcorp Genetics (formerly Invitae), Labcorp
Classification: Benign. Last evaluated: 2026-01-26. Review status: criteria provided, single submitter. Criteria: Invitae Variant Classification Sherloc (09022015). Collection method: clinical testing. Allele origin: germline.

Blueprint Genetics
Classification: Likely benign. Last evaluated: 2024-11-25. Review status: criteria provided, single submitter. Criteria: ACMG Guidelines, 2015. Collection method: clinical testing. Allele origin: germline.

Revvity Omics, Revvity
Classification: Uncertain significance. Last evaluated: 2022-08-01. Review status: criteria provided, single submitter. Criteria: ACMG Guidelines, 2015. Collection method: clinical testing. Allele origin: germline.

Victorian Clinical Genetics Services, Murdoch Childrens Research Institute
Classification: Uncertain significance for Autosomal recessive nonsyndromic hearing loss 12. Last evaluated: 2022-02-02. Review status: criteria provided, single submitter. Criteria: ACMG Guidelines, 2015. Collection method: clinical testing. Allele origin: germline. Inheritance: Autosomal recessive inheritance. Affected: yes.
Comment: Based on the classification scheme VCGS_Germline_v1.3.4, this variant is classified as VUS-3C. Following criteria are met: 0102 - Loss of function is a known mechanism of disease in this gene and is associated with autosomal recessive deafness 12 (MIM#601386) and Usher syndrome type 1D (MIM#601067). (I) 0106 - This gene is associated with autosomal recessive disease. (I) 0200 - Variant is predicted to result in a missense amino acid change from valine to isoleucine. (I) 0251 - This variant is heterozygous. (I) 0304 - Variant is present in gnomAD (v3) <0.01 for a recessive condition (30 heterozygotes, 2 homozygotes). (SP) 0309 - An alternative amino acid change at the same position has been observed in gnomAD (v2) (1 heterozygote, 0 homozygotes). (I) 0502 - Missense variant with conflicting in silico predictions and uninformative conservation. (I) 0600 - Variant is located in the annotated Cadherin domain (DECIPHER). (I) 0710 - Another missense variant comparable to the one identified in this case has inconclusive previous evidence for pathogenicity. The p.(Val746Leu) variant has been reported as unknown significance (Deafness Variation Database). (I) 0808 - Previous reports of pathogenicity for this variant are conflicting. This variant has been reported as uncertain significance, likely benign and benign in ClinVar. It has also been reported as likely pathogenic in an individual with retinal dystrophy who is also heterozygous for another missense variant in CDH23 and 2 variants in TTLL5 gene (PMID: 31054281, LOVD, Deafness Variation Database). (I) 0905 - No published segregation evidence has been identified for this variant. (I) 1007 - No published functional evidence has been identified for this variant. (I) 1208 - Inheritance information for this variant is not currently available in this individual. (I) Legend: (SP) - Supporting pathogenic, (I) - Information, (SB) - Supporting benign

Department of Pathology and Laboratory Medicine, Sinai Health System
Classification: Uncertain significance for Usher syndrome type 1. Last evaluated: 2021-07-30. Review status: criteria provided, single submitter. Criteria: ACMG Guidelines, 2015. Collection method: research. Allele origin: germline.

Ocular Genomics Institute, Massachusetts Eye and Ear
Classification: Uncertain significance for Usher syndrome type 1D. Last evaluated: 2021-04-08. Review status: criteria provided, single submitter. Criteria: ACMG Guidelines, 2015. Collection method: research. Allele origin: germline. Affected: yes.
Comment: Through a review of available evidence we were able to apply the following criteria: PM2. Based on this evidence we have classified this variant as Variant of Uncertain Significance.

GeneDx
Classification: Likely benign. Last evaluated: 2020-12-31. Review status: criteria provided, single submitter. Criteria: GeneDx Variant Classification Process June 2021. Collection method: clinical testing. Allele origin: germline. Affected: yes.
Comment: This variant is associated with the following publications: (PMID: 18429043, 31054281, 32707200)

Fulgent Genetics
Classification: Uncertain significance for Usher syndrome type 1D; Autosomal recessive nonsyndromic hearing loss 12; Pituitary adenoma 5, multiple types. Last evaluated: 2018-10-31. Review status: criteria provided, single submitter. Criteria: ACMG Guidelines, 2015. Collection method: clinical testing. Allele origin: unknown.

Illumina Laboratory Services, Illumina
Classification: Uncertain significance for Autosomal recessive nonsyndromic hearing loss 12. Last evaluated: 2017-04-28. Review status: criteria provided, single submitter. Criteria: ICSL Variant Classification Criteria 13 December 2019. Collection method: clinical testing. Allele origin: germline.

Illumina Laboratory Services, Illumina
Classification: Uncertain significance for Usher syndrome type 1D. Last evaluated: 2017-04-28. Review status: criteria provided, single submitter. Criteria: ICSL Variant Classification Criteria 13 December 2019. Collection method: clinical testing. Allele origin: germline.
Comment: This variant was observed as part of a predisposition screen in an ostensibly healthy population. A literature search was performed for the gene, cDNA change, and amino acid change (where applicable). Publications were found based on this search. However, the evidence from the literature, in combination with allele frequency data from public databases where available, was not sufficient to rule this variant in or out of causing disease. Therefore, this variant is classified as a variant of unknown significance.

Laboratory for Molecular Medicine, Mass General Brigham Personalized Medicine
Classification: Uncertain significance. Last evaluated: 2013-06-11. Review status: criteria provided, single submitter. Criteria: LMM Criteria. Collection method: clinical testing. Allele origin: germline. Observed: 1 variant allele.
Comment: Variant classified as Uncertain Significance - Favor Benign. The Val746Ile varia nt in CDH23 has not been reported in individuals with hearing loss or in large p opulation studies. Computational analyses (biochemical amino acid properties, co nservation, AlignGVGD, PolyPhen2, and SIFT) do not provide strong support for or against an impact to the protein. Of note, frog has a isoleucine (Ile) at this position despite high nearby amino acid conservation. In summary, the clinical s ignificance of this variant cannot be determined with certainty; however, based upon the arguments described above, we would lean towards a more likely benign r ole.

Natera, Inc.
Classification: Uncertain significance for Usher syndrome type 1. Last evaluated: 2020-04-15. Review status: no assertion criteria provided. Collection method: clinical testing. Allele origin: germline. Not counted in ClinVar's aggregate classification.

Literature cited by the submitters: PubMed 31054281 (cited by Victorian Clinical Genetics Services, Murdoch Childrens Research Institute); PubMed 18429043 (cited by Ocular Genomics Institute, Massachusetts Eye and Ear and Illumina Laboratory Services, Illumina).

NM_022124.6(CDH23):c.2236G>A (p.Val746Ile)

Gene: CDH23 (cadherin related 23; plus strand). Cytogenetic location: 10q22.1.
Variant type: single nucleotide variant.
Coding change: c.2236G>A on transcript NM_022124.6 (MANE Select); coding-DNA position 2236, G replaced by A.
Protein change: p.Val746Ile; replaces valine 746 with isoleucine.
Molecular consequence: missense variant.
Genome position (GRCh38, 1-based): chr10:71,694,206, G>A. VCF-style: chr10-71694206-G-A. GRCh37 (hg19) VCF-style: chr10-73453963-G-A.
Other names: c.2236G>A, p.Val746Ile (NM_001171930.2, NM_001171931.2); short protein forms V746I.
Identifiers: ClinVar variation 162894 (VCV000162894.28), dbSNP rs550384315, ClinGen allele CA175475.